The following is an entry in ClinVar:

NM_001854.4(COL11A1):c.4356G>A (p.Lys1452=)

Gene: COL11A1 (collagen type XI alpha 1 chain; minus strand). Cytogenetic location: 1p21.1.
Variant type: single nucleotide variant.
Coding change: c.4356G>A on transcript NM_001854.4 (MANE Select); coding-DNA position 4356, G replaced by A.
Protein change: p.Lys1452=; no amino-acid change (lysine 1452 retained).
Molecular consequence: synonymous variant. On other transcripts: non-coding transcript variant (1).
Genome position (GRCh38, 1-based): chr1:102,890,451, C>T on the plus strand (G>A on the coding strand, the complement: COL11A1 is on the minus strand). VCF-style: chr1-102890451-C-T. GRCh37 (hg19) VCF-style: chr1-103356007-C-T.
Other names: c.4239G>A, p.Lys1413= (NM_001190709.2); c.4392G>A, p.Lys1464= (NM_080629.3); c.4008G>A, p.Lys1336= (NM_080630.4).
Identifiers: ClinVar variation 3336601 (VCV003336601.1).

ClinVar aggregate classification (germline): Likely pathogenic (1 of 4 stars; one submission).

Conditions:
Hearing loss, autosomal dominant 37. Also called: DEAFNESS, AUTOSOMAL DOMINANT 37. Identifiers: MedGen C4760307, MONDO:0032802, OMIM 618533.

Submission:

Laboratory of Prof. Karen Avraham, Tel Aviv University
Classification: Likely pathogenic for Hearing loss, autosomal dominant 37. Last evaluated: 2024-08-06. Review status: criteria provided, single submitter. Criteria: ACMG Guidelines, 2015. Collection method: research. Allele origin: germline. Inheritance: Autosomal dominant inheritance. Affected: yes. Observed: 1 heterozygote.
Comment: The c.4356G>A variant is a silent variant, p.(Lys1452Lys), in COL11A1. It is not present in gnomAD and is predicted to affect splicing by a very high CADD score.